The following is an entry in ClinVar:

ClinVar aggregate classification (germline): Uncertain significance. Review status: criteria provided, multiple submitters, no conflicts (2 of 4 stars). 4 submissions from 4 submitters: Uncertain significance (4). Last evaluated 2025-04-28.

Conditions:
Hereditary breast ovarian cancer syndrome. Also called: Hereditary breast and ovarian cancer syndrome (HBOC); Hereditary breast and ovarian cancer syndrome; Breast and ovarian cancer; Hereditary breast and ovarian cancer; Hereditary breast and/or ovarian cancer syndrome; BRCA1- and BRCA2-Associated Hereditary Breast and Ovarian Cancer. Identifiers: Orphanet 145, MedGen C0677776, MeSH D061325, MONDO:0003582. Disease mechanism: loss of function.
Hereditary cancer-predisposing syndrome. Also called: Neoplastic Syndromes, Hereditary; Tumor predisposition; Hereditary neoplastic syndrome; Hereditary Cancer Syndrome. Identifiers: Orphanet 140162, MedGen C0027672, MeSH D009386, MONDO:0015356.

Submissions (4):

Labcorp Genetics (formerly Invitae), Labcorp
Classification: Uncertain significance for Hereditary breast ovarian cancer syndrome. Last evaluated: 2025-04-28. Review status: criteria provided, single submitter. Criteria: Invitae Variant Classification Sherloc (09022015). Collection method: clinical testing. Allele origin: germline.
Comment: This sequence change replaces isoleucine, which is neutral and non-polar, with threonine, which is neutral and polar, at codon 2437 of the BRCA2 protein (p.Ile2437Thr). This variant is not present in population databases (gnomAD no frequency). This variant has not been reported in the literature in individuals affected with BRCA2-related conditions. ClinVar contains an entry for this variant (Variation ID: 662539). Invitae Evidence Modeling of protein sequence and biophysical properties (such as structural, functional, and spatial information, amino acid conservation, physicochemical variation, residue mobility, and thermodynamic stability) indicates that this missense variant is not expected to disrupt BRCA2 protein function with a negative predictive value of 95%. In summary, the available evidence is currently insufficient to determine the role of this variant in disease. Therefore, it has been classified as a Variant of Uncertain Significance.

Ambry Genetics
Classification: Uncertain significance for Hereditary cancer-predisposing syndrome. Last evaluated: 2025-01-06. Review status: criteria provided, single submitter. Criteria: Ambry Variant Classification Scheme 2023. Collection method: clinical testing. Allele origin: germline.
Comment: The p.I2437T variant (also known as c.7310T>C), located in coding exon 13 of the BRCA2 gene, results from a T to C substitution at nucleotide position 7310. The isoleucine at codon 2437 is replaced by threonine, an amino acid with similar properties. This amino acid position is not well conserved in available vertebrate species. In addition, this alteration is predicted to be tolerated by in silico analysis. Since supporting evidence is limited at this time, the clinical significance of this alteration remains unclear.

Women's Health and Genetics/Laboratory Corporation of America, LabCorp
Classification: Uncertain significance. Last evaluated: 2024-04-18. Review status: criteria provided, single submitter. Criteria: LabCorp Variant Classification Summary - May 2015. Collection method: clinical testing. Allele origin: germline.

Color Diagnostics, LLC DBA Color Health
Classification: Uncertain significance for Hereditary cancer-predisposing syndrome. Last evaluated: 2024-03-06. Review status: criteria provided, single submitter. Criteria: ACMG Guidelines, 2015. Collection method: clinical testing. Allele origin: germline.
Comment: This missense variant replaces isoleucine with threonine at codon 2437 of the BRCA2 protein. Computational prediction suggests that this variant may not impact protein structure and function (internally defined REVEL score threshold <= 0.5, PMID: 27666373). To our knowledge, functional studies have not been reported for this variant. This variant has not been reported in individuals affected with hereditary cancer in the literature. This variant has not been identified in the general population by the Genome Aggregation Database (gnomAD). The available evidence is insufficient to determine the role of this variant in disease conclusively. Therefore, this variant is classified as a Variant of Uncertain Significance.

NM_000059.4(BRCA2):c.7310T>C (p.Ile2437Thr)

Gene: BRCA2 (BRCA2 DNA repair associated; plus strand). Cytogenetic location: 13q13.1.
Variant type: single nucleotide variant.
Coding change: c.7310T>C on transcript NM_000059.4 (MANE Select); coding-DNA position 7310, T replaced by C.
Protein change: p.Ile2437Thr; replaces isoleucine 2437 with threonine.
Molecular consequence: missense variant.
Genome position (GRCh38, 1-based): chr13:32,355,163, T>C. VCF-style: chr13-32355163-T-C. GRCh37 (hg19) VCF-style: chr13-32929300-T-C.
Other names: short protein forms I2437T.
Identifiers: ClinVar variation 662539 (VCV000662539.20), dbSNP rs1593918340, ClinGen allele CA387741026.